The following is an entry in ClinVar:

ClinVar aggregate classification (germline): Uncertain significance. Review status: criteria provided, multiple submitters, no conflicts (2 of 4 stars). 2 submissions from 2 submitters: Uncertain significance (2). Last evaluated 2023-11-14.

Conditions:
Brown-Vialetto-van Laere syndrome 1. Also called: BROWN-VIALETTO-VAN LAERE SYNDROME 1, MILD; PONTOBULBAR PALSY WITH DEAFNESS; BULBAR PALSY, PROGRESSIVE, WITH SENSORINEURAL DEAFNESS. Identifiers: Orphanet 572550, Orphanet 97229, MedGen C0796274, MONDO:0024537, OMIM 211530.
Inborn genetic diseases. Identifiers: MedGen C0950123, MeSH D030342.

Allele frequency attached by ClinVar (database versions not stated): 1000 Genomes Project 0.00020; gnomAD 0.00001; TOPMed 0.00004; 1000 Genomes Project 30x 0.00016.
gnomAD v4.1: 82 of 1,614,192 alleles (0.0051%); highest among the groups gnomAD compares: Non-Finnish European, 0.0066%; no homozygotes.

Submissions (2):

Ambry Genetics
Classification: Uncertain significance for Inborn genetic diseases. Last evaluated: 2023-11-14. Review status: criteria provided, single submitter. Criteria: Ambry Variant Classification Scheme 2023. Collection method: clinical testing. Allele origin: germline.

Labcorp Genetics (formerly Invitae), Labcorp
Classification: Uncertain significance for Brown-Vialetto-van Laere syndrome 1. Last evaluated: 2022-10-17. Review status: criteria provided, single submitter. Criteria: Invitae Variant Classification Sherloc (09022015). Collection method: clinical testing. Allele origin: germline.
Comment: This sequence change replaces threonine, which is neutral and polar, with asparagine, which is neutral and polar, at codon 305 of the SLC52A3 protein (p.Thr305Asn). This variant is present in population databases (rs201254395, gnomAD 0.004%). This variant has not been reported in the literature in individuals affected with SLC52A3-related conditions. ClinVar contains an entry for this variant (Variation ID: 574157). Advanced modeling of protein sequence and biophysical properties (such as structural, functional, and spatial information, amino acid conservation, physicochemical variation, residue mobility, and thermodynamic stability) performed at Invitae indicates that this missense variant is not expected to disrupt SLC52A3 protein function. In summary, the available evidence is currently insufficient to determine the role of this variant in disease. Therefore, it has been classified as a Variant of Uncertain Significance.

NM_033409.4(SLC52A3):c.914C>A (p.Thr305Asn)

Gene: SLC52A3 (solute carrier family 52 member 3; minus strand). Cytogenetic location: 20p13.
Variant type: single nucleotide variant.
Coding change: c.914C>A on transcript NM_033409.4 (MANE Select); coding-DNA position 914, C replaced by A.
Protein change: p.Thr305Asn; replaces threonine 305 with asparagine.
Molecular consequence: missense variant.
Genome position (GRCh38, 1-based): chr20:763,657, G>T on the plus strand (C>A on the coding strand, the complement: SLC52A3 is on the minus strand). VCF-style: chr20-763657-G-T. GRCh37 (hg19) VCF-style: chr20-744301-G-T.
Other names: c.914C>A, p.Thr305Asn (NM_001370085.1, NM_001370086.1); short protein forms T305N.
Identifiers: ClinVar variation 574157 (VCV000574157.7), dbSNP rs201254395, ClinGen allele CA9724652.
Genomic context (GRCh38, chr20:763,657, plus strand): 5'-GAGTAGGTCTGCACAGAGGGCAGCATGCCGTTGGTGAGCGCGTTGACGAAGGCCACCAGG[G>T]TATAGATGAAGGCCAGGTGCGCCGGGCAGCAGGGGGCTGCTTTCTCCTCTAGATACCCCT-3'
Protein context (NP_212134.3, residues 295-315): CCPAHLAFIY[Thr305Asn]LVAFVNALTN